The following is an entry in ClinVar:

ClinVar aggregate classification (germline): Likely benign. Review status: criteria provided, single submitter (1 of 4 stars). 2 submissions from 2 submitters: Likely benign (1). 1 of the submissions does not count toward it. Last evaluated 2023-11-01.

Conditions:
TMEM132D-related disorder. Also called: TMEM132D-related condition.

Allele frequency attached by ClinVar (database versions not stated): gnomAD 0.00052; ESP Exome Variant Server 0.00054; 1000 Genomes Project 0.00060; 1000 Genomes Project 30x 0.00062; TOPMed 0.00062; ExAC 0.00075.
gnomAD v4.1: 1,443 of 1,612,866 alleles (0.089%); highest among the groups gnomAD compares: Middle Eastern, 0.5%; 2 homozygotes.

Submissions (2):

CeGaT Center for Human Genetics Tuebingen
Classification: Likely benign. Last evaluated: 2023-11-01. Review status: criteria provided, single submitter. Criteria: CeGaT Center For Human Genetics Tuebingen Variant Classification Criteria Version 2. Collection method: clinical testing. Allele origin: germline. Affected: yes. Observed: 1 variant allele.
Comment: TMEM132D: BP4

PreventionGenetics, part of Exact Sciences
Classification: Likely benign for TMEM132D-related condition. Last evaluated: 2022-03-03. Review status: no assertion criteria provided. Collection method: clinical testing. Allele origin: germline. Not counted in ClinVar's aggregate classification.
Comment: This variant is classified as likely benign based on ACMG/AMP sequence variant interpretation guidelines (Richards et al. 2015 PMID: 25741868, with internal and published modifications).

NM_133448.3(TMEM132D):c.1099G>C (p.Ala367Pro)

Gene: TMEM132D (transmembrane protein 132D; minus strand). Cytogenetic location: 12q24.33.
Variant type: single nucleotide variant.
Coding change: c.1099G>C on transcript NM_133448.3 (MANE Select); coding-DNA position 1099, G replaced by C.
Protein change: p.Ala367Pro; replaces alanine 367 with proline.
Molecular consequence: missense variant.
Genome position (GRCh38, 1-based): chr12:129,531,075, C>G on the plus strand (G>C on the coding strand, the complement: TMEM132D is on the minus strand). VCF-style: chr12-129531075-C-G. GRCh37 (hg19) VCF-style: chr12-130015620-C-G.
Other names: c.1099G>C (NM_133448.2); short protein forms A367P.
Identifiers: ClinVar variation 2672534 (VCV002672534.24), dbSNP rs144926631, ClinGen allele CA6876207.